The following is an entry in ClinVar:

ClinVar aggregate classification (germline): Uncertain significance. Review status: criteria provided, multiple submitters, no conflicts (2 of 4 stars). 2 submissions from 2 submitters: Uncertain significance (2). Last evaluated 2024-07-24.

Conditions:
Inborn genetic diseases. Identifiers: MedGen C0950123, MeSH D030342.
CHARGE syndrome (CHARGE). Also called: Hittner Hirsch Kreh syndrome; CHARGE ASSOCIATION--COLOBOMA, HEART ANOMALY, CHOANAL ATRESIA, RETARDATION, GENITAL AND EAR ANOMALIES; Coloboma, heart anomaly, choanal atresia, retardation, genital and ear anomalies; CHARGE association; Hall-Hittner syndrome. Identifiers: Orphanet 138, MedGen C0265354, MONDO:0008965.

Allele frequency attached by ClinVar (database versions not stated): gnomAD exomes below 0.00001.
gnomAD v4.1: 4 of 1,555,752 alleles (0.00026%); highest among the groups gnomAD compares: South Asian, 0.0012%; no homozygotes.

Submissions (2):

Labcorp Genetics (formerly Invitae), Labcorp
Classification: Uncertain significance for CHARGE syndrome. Last evaluated: 2024-07-24. Review status: criteria provided, single submitter. Criteria: Invitae Variant Classification Sherloc (09022015). Collection method: clinical testing. Allele origin: germline.
Comment: This sequence change replaces asparagine, which is neutral and polar, with aspartic acid, which is acidic and polar, at codon 1873 of the CHD7 protein (p.Asn1873Asp). This variant is not present in population databases (gnomAD no frequency). This variant has not been reported in the literature in individuals affected with CHD7-related conditions. ClinVar contains an entry for this variant (Variation ID: 1400828). Advanced modeling of protein sequence and biophysical properties (such as structural, functional, and spatial information, amino acid conservation, physicochemical variation, residue mobility, and thermodynamic stability) performed at Invitae indicates that this missense variant is not expected to disrupt CHD7 protein function with a negative predictive value of 95%. In summary, the available evidence is currently insufficient to determine the role of this variant in disease. Therefore, it has been classified as a Variant of Uncertain Significance.

Ambry Genetics
Classification: Uncertain significance for Inborn genetic diseases. Last evaluated: 2023-05-05. Review status: criteria provided, single submitter. Criteria: Ambry Variant Classification Scheme 2023. Collection method: clinical testing. Allele origin: germline.
Comment: The p.N1873D variant (also known as c.5617A>G), located in coding exon 27 of the CHD7 gene, results from an A to G substitution at nucleotide position 5617. The asparagine at codon 1873 is replaced by aspartic acid, an amino acid with highly similar properties. This amino acid position is conserved. In addition, this alteration is predicted to be tolerated by in silico analysis. Since supporting evidence is limited at this time, the clinical significance of this alteration remains unclear.

NM_017780.4(CHD7):c.5617A>G (p.Asn1873Asp)

Gene: CHD7 (chromodomain helicase DNA binding protein 7; plus strand). Cytogenetic location: 8q12.2.
Variant type: single nucleotide variant.
Coding change: c.5617A>G on transcript NM_017780.4 (MANE Select); coding-DNA position 5617, A replaced by G.
Protein change: p.Asn1873Asp; replaces asparagine 1873 with aspartic acid.
Molecular consequence: missense variant. On other transcripts: intron variant (1).
Genome position (GRCh38, 1-based): chr8:60,851,271, A>G. VCF-style: chr8-60851271-A-G. GRCh37 (hg19) VCF-style: chr8-61763830-A-G.
Other names: c.5617A>G (NM_017780.3); c.1717-10958A>G (NM_001316690.1); short protein forms N1873D.
Identifiers: ClinVar variation 1400828 (VCV001400828.9), dbSNP rs1403279129, ClinGen allele CA371322139.